The following is an entry in ClinVar:

NM_002880.4(RAF1):c.1919C>T (p.Thr640Ile)

Gene: RAF1 (Raf-1 proto-oncogene, serine/threonine kinase; minus strand). Cytogenetic location: 3p25.2.
Variant type: single nucleotide variant.
Coding change: c.1919C>T on transcript NM_002880.4 (MANE Select); coding-DNA position 1919, C replaced by T.
Protein change: p.Thr640Ile; replaces threonine 640 with isoleucine.
Molecular consequence: missense variant. On other transcripts: non-coding transcript variant (3).
Genome position (GRCh38, 1-based): chr3:12,584,542, G>A on the plus strand (C>T on the coding strand, the complement: RAF1 is on the minus strand). VCF-style: chr3-12584542-G-A. GRCh37 (hg19) VCF-style: chr3-12626041-G-A.
Other names: c.1979C>T, p.Thr660Ile (NM_001354689.3); c.1919C>T, p.Thr640Ile (NM_001354690.3); c.1676C>T, p.Thr559Ile (NM_001354691.3, NM_001354692.3); c.1820C>T, p.Thr607Ile (NM_001354693.3); c.1736C>T, p.Thr579Ile (NM_001354694.3); c.1577C>T, p.Thr526Ile (NM_001354695.3); short protein forms T526I, T640I, T559I, T607I, T579I, T660I.
Identifiers: ClinVar variation 5006527 (VCV005006527.2).

ClinVar aggregate classification (germline): Uncertain significance (1 of 4 stars; one submission).

Conditions:
Noonan syndrome 5 (NS5). Also called: RAF1-Related Noonan Syndrome. Identifiers: Orphanet 648, MedGen C1969057, MONDO:0012690, OMIM 611553. Disease mechanism: gain of function.
LEOPARD syndrome 2 (LPRD2). Also called: RAF1-Related LEOPARD Syndrome. Identifiers: Orphanet 500, MedGen C1969056, MONDO:0012691, OMIM 611554.
Dilated cardiomyopathy 1NN. Identifiers: Orphanet 154, MedGen C4014656, MONDO:0014396, OMIM 615916.

Submission:

Juno Genomics, Hangzhou Juno Genomics, Inc
Classification: Uncertain significance for Dilated cardiomyopathy 1NN; LEOPARD syndrome 2; Noonan syndrome 5. Review status: criteria provided, single submitter. Criteria: ACMG Guidelines, 2015. Collection method: clinical testing. Allele origin: germline.
Comment: Absent from controls (or at extremely low frequency if recessive) in Genome Aggregation Database.